The following is an entry in ClinVar:

NM_023036.6(DNAI2):c.170T>C (p.Met57Thr)

Gene: DNAI2 (dynein axonemal intermediate chain 2; plus strand). Cytogenetic location: 17q25.1.
Variant type: single nucleotide variant.
Coding change: c.170T>C on transcript NM_023036.6 (MANE Select); coding-DNA position 170, T replaced by C.
Protein change: p.Met57Thr; replaces methionine 57 with threonine.
Molecular consequence: missense variant. On other transcripts: non-coding transcript variant (1).
Genome position (GRCh38, 1-based): chr17:74,281,987, T>C. VCF-style: chr17-74281987-T-C. GRCh37 (hg19) VCF-style: chr17-72278126-T-C.
Other names: c.170T>C, p.Met57Thr (NM_001172810.3, NM_001353167.2); short protein forms M57T.
Identifiers: ClinVar variation 1986231 (VCV001986231.4), dbSNP rs2509682283, ClinGen allele CA400912485.
Genomic context (GRCh38, chr17:74,281,987, plus strand): 5'-TGGCCGAGCAGTTCGTGGAGCGGAACCCAGTGGACACGGGCATCCAGTGCTCGATCAGCA[T>C]GTCGGAACACGAGGTGGGTCCCTGCCCCAAGGGCCCTGGCCTGTCAGGTGTGGCCAGGCA-3'
Protein context (NP_075462.3, residues 47-67): VDTGIQCSIS[Met57Thr]SEHEANSERF

ClinVar aggregate classification (germline): Uncertain significance (1 of 4 stars; one submission).

Conditions:
Primary ciliary dyskinesia. Also called: Ciliary dyskinesia. Identifiers: Orphanet 244, MedGen C0008780, MONDO:0016575, HP:0012265.

Submission:

Labcorp Genetics (formerly Invitae), Labcorp
Classification: Uncertain significance for Primary ciliary dyskinesia. Last evaluated: 2025-01-06. Review status: criteria provided, single submitter. Criteria: Invitae Variant Classification Sherloc (09022015). Collection method: clinical testing. Allele origin: germline.
Comment: This sequence change replaces methionine, which is neutral and non-polar, with threonine, which is neutral and polar, at codon 57 of the DNAI2 protein (p.Met57Thr). This variant is not present in population databases (gnomAD no frequency). This variant has not been reported in the literature in individuals affected with DNAI2-related conditions. ClinVar contains an entry for this variant (Variation ID: 1986231). Invitae Evidence Modeling of protein sequence and biophysical properties (such as structural, functional, and spatial information, amino acid conservation, physicochemical variation, residue mobility, and thermodynamic stability) indicates that this missense variant is not expected to disrupt DNAI2 protein function with a negative predictive value of 95%. In summary, the available evidence is currently insufficient to determine the role of this variant in disease. Therefore, it has been classified as a Variant of Uncertain Significance.